The following is an entry in ClinVar:

NM_020919.4(ALS2):c.2473G>A (p.Glu825Lys)

Gene: ALS2 (alsin Rho guanine nucleotide exchange factor ALS2; minus strand). Cytogenetic location: 2q33.1.
Variant type: single nucleotide variant.
Coding change: c.2473G>A on transcript NM_020919.4 (MANE Select); coding-DNA position 2473, G replaced by A.
Protein change: p.Glu825Lys; replaces glutamic acid 825 with lysine.
Molecular consequence: missense variant.
Genome position (GRCh38, 1-based): chr2:201,733,383, C>T on the plus strand (G>A on the coding strand, the complement: ALS2 is on the minus strand). VCF-style: chr2-201733383-C-T. GRCh37 (hg19) VCF-style: chr2-202598106-C-T.
Other names: c.2473G>A, p.Glu825Lys (NM_001410975.1); short protein forms E825K.
Identifiers: ClinVar variation 3765943 (VCV003765943.2).

ClinVar aggregate classification (germline): Uncertain significance. Review status: criteria provided, multiple submitters, no conflicts (2 of 4 stars). 2 submissions from 2 submitters: Uncertain significance (2). Last evaluated 2025-08-12.

Conditions:
Inborn genetic diseases. Identifiers: MedGen C0950123, MeSH D030342.

gnomAD v4.1: 12 of 1,613,448 alleles (0.00074%); highest among the groups gnomAD compares: African/African-American, 0.0027%; no homozygotes.

Submissions (2):

Ambry Genetics
Classification: Uncertain significance for Inborn genetic diseases. Last evaluated: 2025-08-12. Review status: criteria provided, single submitter. Criteria: Ambry Variant Classification Scheme 2023. Collection method: clinical testing. Allele origin: germline.

GeneDx
Classification: Uncertain significance. Last evaluated: 2024-08-29. Review status: criteria provided, single submitter. Criteria: GeneDx Variant Classification Process June 2021. Collection method: clinical testing. Allele origin: germline. Affected: yes.
Comment: Not observed at significant frequency in large population cohorts (gnomAD); In silico analysis indicates that this missense variant does not alter protein structure/function; Has not been previously published as pathogenic or benign to our knowledge